The following is an entry in ClinVar:

NM_019074.4(DLL4):c.39A>T (p.Leu13=)

Gene: DLL4 (delta like canonical Notch ligand 4; plus strand). Cytogenetic location: 15q15.1.
Variant type: single nucleotide variant.
Coding change: c.39A>T on transcript NM_019074.4 (MANE Select); coding-DNA position 39, A replaced by T.
Protein change: p.Leu13=; no amino-acid change (leucine 13 retained).
Molecular consequence: synonymous variant.
Genome position (GRCh38, 1-based): chr15:40,929,707, A>T. VCF-style: chr15-40929707-A-T. GRCh37 (hg19) VCF-style: chr15-41221905-A-T.
Other names: c.39A>T (NM_019074.3).
Identifiers: ClinVar variation 1598777 (VCV001598777.11), dbSNP rs202204117, ClinGen allele CA7487573.
Genomic context (GRCh38, chr15:40,929,707, plus strand): 5'-GGAGAGAGCGACGCCCGAGGGGATGGCGGCAGCGTCCCGGAGCGCCTCTGGCTGGGCGCT[A>T]CTGCTGCTGGTGGCACTTTGGCAGCAGGTAACACGTCCCGCGCCCTCTCCGTCCCCTCTG-3'
Protein context (NP_061947.1, residues 3-23): AASRSASGWA[Leu13=]LLLVALWQQR

ClinVar aggregate classification (germline): Benign/Likely benign. Review status: criteria provided, multiple submitters, no conflicts (2 of 4 stars). 3 submissions from 3 submitters: Benign (1); Likely benign (1). 1 of the submissions does not count toward it. Last evaluated 2025-03-13.

Conditions:
DLL4-related disorder. Also called: DLL4-related condition.

Allele frequency attached by ClinVar (database versions not stated): 1000 Genomes Project 30x 0.00016; 1000 Genomes Project 0.00020; gnomAD 0.00020 and 0.00021; TOPMed 0.00020; gnomAD exomes 0.00029 and 0.00036; ESP Exome Variant Server 0.00049; ExAC 0.00083.
gnomAD v4.1: 450 of 1,591,532 alleles (0.028%); highest among the groups gnomAD compares: Non-Finnish European, 0.033%; no homozygotes.

Submissions (3):

Labcorp Genetics (formerly Invitae), Labcorp
Classification: Benign. Last evaluated: 2025-03-13. Review status: criteria provided, single submitter. Criteria: Invitae Variant Classification Sherloc (09022015). Collection method: clinical testing. Allele origin: germline.

Blueprint Genetics
Classification: Likely benign. Last evaluated: 2024-09-07. Review status: criteria provided, single submitter. Criteria: ACMG Guidelines, 2015. Collection method: clinical testing. Allele origin: germline.

PreventionGenetics, part of Exact Sciences
Classification: Likely benign for DLL4-related condition. Last evaluated: 2020-02-21. Review status: no assertion criteria provided. Collection method: clinical testing. Allele origin: germline. Not counted in ClinVar's aggregate classification.
Comment: This variant is classified as likely benign based on ACMG/AMP sequence variant interpretation guidelines (Richards et al. 2015 PMID: 25741868, with internal and published modifications).